The following is an entry in ClinVar:

NM_006031.6(PCNT):c.3748C>T (p.Arg1250Trp)

Gene: PCNT (pericentrin; plus strand). Cytogenetic location: 21q22.3.
Variant type: single nucleotide variant.
Coding change: c.3748C>T on transcript NM_006031.6 (MANE Select); coding-DNA position 3748, C replaced by T.
Protein change: p.Arg1250Trp; replaces arginine 1250 with tryptophan.
Molecular consequence: missense variant.
Genome position (GRCh38, 1-based): chr21:46,389,339, C>T. VCF-style: chr21-46389339-C-T. GRCh37 (hg19) VCF-style: chr21-47809254-C-T.
Other names: c.3394C>T, p.Arg1132Trp (NM_001315529.2); short protein forms R1250W, R1132W.
Identifiers: ClinVar variation 159593 (VCV000159593.36), dbSNP rs117987006, ClinGen allele CA251056.

ClinVar aggregate classification (germline): Likely benign. Review status: criteria provided, multiple submitters, no conflicts (2 of 4 stars). 10 submissions from 10 submitters: Likely benign (9). 1 of the submissions does not count toward it. Last evaluated 2026-01-21.

Conditions:
PCNT-related disorder. Also called: PCNT-related condition.
Microcephalic osteodysplastic primordial dwarfism type II (MOPD2). Also called: MOPD II; OSTEODYSPLASTIC PRIMORDIAL DWARFISM, TYPE II; Microcephalic osteodysplastic primordial dwarfism with tooth abnormalities. Identifiers: Orphanet 2637, MedGen C0432246, MONDO:0008872, OMIM 210720.

Allele frequency attached by ClinVar (database versions not stated): 1000 Genomes Project 0.00160; 1000 Genomes Project 30x 0.00172; ESP Exome Variant Server 0.00215; TOPMed 0.00218; gnomAD exomes 0.00227 and 0.00231; ExAC 0.00243; gnomAD 0.00249 and 0.00257.
gnomAD v4.1: 3,653 of 1,614,182 alleles (0.23%); highest among the groups gnomAD compares: Non-Finnish European, 0.24%; 5 homozygotes.

Submissions (10):

Labcorp Genetics (formerly Invitae), Labcorp
Classification: Likely benign. Last evaluated: 2026-01-21. Review status: criteria provided, single submitter. Criteria: Invitae Variant Classification Sherloc (09022015). Collection method: clinical testing. Allele origin: germline.

CeGaT Center for Human Genetics Tuebingen
Classification: Likely benign. Last evaluated: 2025-07-01. Review status: criteria provided, single submitter. Criteria: CeGaT Center For Human Genetics Tuebingen Variant Classification Criteria Version 2. Collection method: clinical testing. Allele origin: germline. Affected: yes. Observed: 1 variant allele.
Comment: PCNT: BP4, BS2

Blueprint Genetics
Classification: Likely benign. Last evaluated: 2024-11-27. Review status: criteria provided, single submitter. Criteria: ACMG Guidelines, 2015. Collection method: clinical testing. Allele origin: germline.

ARUP Laboratories, Molecular Genetics and Genomics, ARUP Laboratories
Classification: Likely benign for Microcephalic osteodysplastic primordial dwarfism type II. Last evaluated: 2023-09-08. Review status: criteria provided, single submitter. Criteria: ARUP Molecular Germline Variant Investigation Process 2024. Collection method: clinical testing. Allele origin: germline.

GeneDx
Classification: Likely benign. Last evaluated: 2020-01-15. Review status: criteria provided, single submitter. Criteria: GeneDx Variant Classification Process June 2021. Collection method: clinical testing. Allele origin: germline. Affected: yes.

Illumina Laboratory Services, Illumina
Classification: Likely benign for Microcephalic osteodysplastic primordial dwarfism type II. Last evaluated: 2018-01-13. Review status: criteria provided, single submitter. Criteria: ICSL Variant Classification Criteria 13 December 2019. Collection method: clinical testing. Allele origin: germline.
Comment: This variant was observed in the ICSL laboratory as part of a predisposition screen in an ostensibly healthy population. It had not been previously curated by ICSL or reported in the Human Gene Mutation Database (HGMD: prior to June 1st, 2018), and was therefore a candidate for classification through an automated scoring system. Utilizing variant allele frequency, disease prevalence and penetrance estimates, and inheritance mode, an automated score was calculated to assess if this variant is too frequent to cause the disease. Based on the score and internal cut-off values, a variant classified as likely benign is not then subjected to further curation. The score for this variant resulted in a classification of likely benign for this disease.

Genetic Services Laboratory, University of Chicago
Classification: Likely benign. Last evaluated: 2017-03-03. Review status: criteria provided, single submitter. Criteria: ACMG Guidelines, 2015. Collection method: clinical testing. Allele origin: germline. Affected: no.

Eurofins Ntd Llc (ga)
Classification: Likely benign. Last evaluated: 2016-07-08. Review status: criteria provided, single submitter. Criteria: EGL Classification Definitions 2015. Collection method: clinical testing. Allele origin: germline. Observed: 1 variant allele, 1 heterozygote.

Breakthrough Genomics
Classification: Likely benign. Review status: criteria provided, single submitter. Criteria: ACMG Guidelines, 2015. Collection method: not provided. Allele origin: germline. Inheritance: Autosomal recessive inheritance. Affected: yes.

PreventionGenetics, part of Exact Sciences
Classification: Likely benign for PCNT-related condition. Last evaluated: 2023-12-07. Review status: no assertion criteria provided. Collection method: clinical testing. Allele origin: germline. Not counted in ClinVar's aggregate classification.
Comment: This variant is classified as likely benign based on ACMG/AMP sequence variant interpretation guidelines (Richards et al. 2015 PMID: 25741868, with internal and published modifications).